The following is an entry in ClinVar:

ClinVar aggregate classification (germline): Conflicting classifications of pathogenicity. Review status: criteria provided, conflicting classifications (1 of 4 stars). 2 submissions from 2 submitters: Uncertain significance (1); Likely benign (1). Last evaluated 2023-11-01.

Conditions:
Hereditary cancer-predisposing syndrome. Also called: Hereditary Cancer Syndrome; Hereditary neoplastic syndrome; Neoplastic Syndromes, Hereditary; Tumor predisposition. Identifiers: Orphanet 140162, MedGen C0027672, MeSH D009386, MONDO:0015356.
Familial cancer of breast. Also called: hereditary breast carcinoma; Hereditary breast cancer; BREAST CANCER, FAMILIAL. Identifiers: Orphanet 227535, MedGen C0346153, MONDO:0016419, OMIM 114480. Disease mechanism: loss of function.

Submissions (2):

Ambry Genetics
Classification: Likely benign for Hereditary cancer-predisposing syndrome. Last evaluated: 2023-11-01. Review status: criteria provided, single submitter. Criteria: Ambry Variant Classification Scheme 2023. Collection method: clinical testing. Allele origin: germline.

Labcorp Genetics (formerly Invitae), Labcorp
Classification: Uncertain significance for Familial cancer of breast. Last evaluated: 2020-05-20. Review status: criteria provided, single submitter. Criteria: Invitae Variant Classification Sherloc (09022015). Collection method: clinical testing. Allele origin: germline.
Comment: In summary, the available evidence is currently insufficient to determine the role of this variant in disease. Therefore, it has been classified as a Variant of Uncertain Significance. Algorithms developed to predict the effect of missense changes on protein structure and function (SIFT, PolyPhen-2, Align-GVGD) all suggest that this variant is likely to be tolerated, but these predictions have not been confirmed by published functional studies and their clinical significance is uncertain. This variant has not been reported in the literature in individuals with PALB2-related conditions. This variant is not present in population databases (ExAC no frequency). This sequence change replaces alanine with valine at codon 783 of the PALB2 protein (p.Ala783Val). The alanine residue is weakly conserved and there is a small physicochemical difference between alanine and valine.

NM_024675.4(PALB2):c.2348C>T (p.Ala783Val)

Gene: PALB2 (partner and localizer of BRCA2; minus strand). Cytogenetic location: 16p12.2.
Variant type: single nucleotide variant.
Coding change: c.2348C>T on transcript NM_024675.4 (MANE Select); coding-DNA position 2348, C replaced by T.
Protein change: p.Ala783Val; replaces alanine 783 with valine.
Molecular consequence: missense variant.
Genome position (GRCh38, 1-based): chr16:23,629,806, G>A on the plus strand (C>T on the coding strand, the complement: PALB2 is on the minus strand). VCF-style: chr16-23629806-G-A. GRCh37 (hg19) VCF-style: chr16-23641127-G-A.
Other names: c.2348C>T (NM_024675.3); short protein forms A783V.
Identifiers: ClinVar variation 1063980 (VCV001063980.11), dbSNP rs1473991269, ClinGen allele CA395124890.
Genomic context (GRCh38, chr16:23,629,806, plus strand): 5'-TCACAGTCACAGGTAGGTTGTCCTTGCCTGCCTGACACTTGCAGGGTGGTATGTGGTTTT[G>A]CTGGGCTGCCTGAACTGTCGAATTGTTTAGTATCACTGGCAAGACAGACTGAGTCTTTCA-3'
Protein context (NP_078951.2, residues 773-793): TKQFDSSGSP[Ala783Val]KPHTTLQVSG